The following is an entry in ClinVar:

NM_000038.6(APC):c.2033G>A (p.Ser678Asn)

Gene: APC (APC regulator of Wnt signaling pathway; plus strand). Cytogenetic location: 5q22.2.
Variant type: single nucleotide variant.
Coding change: c.2033G>A on transcript NM_000038.6 (MANE Select); coding-DNA position 2033, G replaced by A.
Protein change: p.Ser678Asn; replaces serine 678 with asparagine.
Molecular consequence: missense variant.
Genome position (GRCh38, 1-based): chr5:112,837,627, G>A. VCF-style: chr5-112837627-G-A. GRCh37 (hg19) VCF-style: chr5-112173324-G-A.
Other names: c.2033G>A, p.Ser678Asn (NM_001127510.3, NM_001354895.2, NM_001407450.1); c.1979G>A, p.Ser660Asn (NM_001127511.3); c.2087G>A, p.Ser696Asn (NM_001354896.2, NM_001407447.1, NM_001407448.1 and 1 more transcripts); c.2063G>A, p.Ser688Asn (NM_001354897.2); c.1958G>A, p.Ser653Asn (NM_001354898.2); c.1949G>A, p.Ser650Asn (NM_001354899.2); c.1910G>A, p.Ser637Asn (NM_001354900.2); c.1856G>A, p.Ser619Asn (NM_001354901.2, NM_001407453.1); and 12 more; short protein forms S294N, S395N, S518N, S549N, S552N, S577N, S587N, S595N.
Identifiers: ClinVar variation 1718274 (VCV001718274.7), dbSNP rs1554083916, ClinGen allele CA16025763.

ClinVar aggregate classification (germline): Uncertain significance. Review status: criteria provided, multiple submitters, no conflicts (2 of 4 stars). 2 submissions from 2 submitters: Uncertain significance (2). Last evaluated 2026-02-14.

Conditions:
Familial adenomatous polyposis 1 (FAP1). Also called: FAMILIAL ADENOMATOUS POLYPOSIS 1, ATTENUATED; POLYPOSIS, ADENOMATOUS INTESTINAL. Identifiers: MedGen C2713442, MONDO:0021056, OMIM 175100. Disease mechanism: loss of function.

Submissions (2):

GeneDx
Classification: Uncertain significance. Last evaluated: 2026-02-14. Review status: criteria provided, single submitter. Criteria: GeneDx Variant Classification Process June 2021. Collection method: clinical testing. Allele origin: germline.
Comment: Not observed at significant frequency in large population cohorts (gnomAD); In silico analysis supports that this missense variant has a deleterious effect on protein structure/function; Has not been previously published as pathogenic or benign to our knowledge; This variant is associated with the following publications: (PMID: 18199528)

Labcorp Genetics (formerly Invitae), Labcorp
Classification: Uncertain significance for Familial adenomatous polyposis 1. Last evaluated: 2025-08-24. Review status: criteria provided, single submitter. Criteria: Invitae Variant Classification Sherloc (09022015). Collection method: clinical testing. Allele origin: germline.
Comment: This sequence change replaces serine, which is neutral and polar, with asparagine, which is neutral and polar, at codon 678 of the APC protein (p.Ser678Asn). This variant is not present in population databases (gnomAD no frequency). This variant has not been reported in the literature in individuals affected with APC-related conditions. ClinVar contains an entry for this variant (Variation ID: 1718274). Invitae Evidence Modeling of protein sequence and biophysical properties (such as structural, functional, and spatial information, amino acid conservation, physicochemical variation, residue mobility, and thermodynamic stability) indicates that this missense variant is not expected to disrupt APC protein function with a negative predictive value of 95%. In summary, the available evidence is currently insufficient to determine the role of this variant in disease. Therefore, it has been classified as a Variant of Uncertain Significance.